The following is an entry in ClinVar:

ClinVar aggregate classification (germline): Benign (1 of 4 stars; one submission).

Allele frequency attached by ClinVar (database versions not stated): TOPMed 0.28655; gnomAD 0.30054; 1000 Genomes Project 30x 0.31512; 1000 Genomes Project 0.32428.
gnomAD v4.1: 505,655 of 1,412,192 alleles (36%); highest among the groups gnomAD compares: East Asian, 56%; 94,747 homozygotes.

Submission:

Unidad de Genómica Garrahan, Hospital de Pediatría Garrahan
Classification: Benign. Last evaluated: 2023-11-12. Review status: criteria provided, single submitter. Criteria: ACMG Guidelines, 2015. Collection method: clinical testing. Allele origin: germline. Affected: no. Observed: 48 variant alleles.
Comment: This variant is classified as Benign based on local population frequency. This variant was detected in 50% of patients studied by a panel of primary immunodeficiencies. Number of patients: 48. Only high quality variants are reported.

NM_000234.3(LIG1):c.1423+56C>T

Gene: LIG1 (DNA ligase 1; minus strand). Cytogenetic location: 19q13.33.
Variant type: single nucleotide variant.
Coding change: c.1423+56C>T on transcript NM_000234.3 (MANE Select); 56 bases into the intron after coding-DNA position 1423, C replaced by T.
Molecular consequence: intron variant.
Genome position (GRCh38, 1-based): chr19:48,135,978, G>A on the plus strand (C>T on the coding strand, the complement: LIG1 is on the minus strand). VCF-style: chr19-48135978-G-A. GRCh37 (hg19) VCF-style: chr19-48639235-G-A.
Other names: c.1330+56C>T (NM_001289063.2); c.1333+56C>T (NM_001320971.2); c.1219+56C>T (NM_001289064.2); c.1420+56C>T (NM_001320970.2).
Identifiers: ClinVar variation 2628175 (VCV002628175.2), dbSNP rs2288882, ClinGen allele CA14691323.
Genomic context (GRCh38, chr19:48,135,978, plus strand): 5'-GAGCCTGGTATGGCAGGGGCCCGCTGGGGAAGGGGCGGGCATGGGCCTCTGAAGAGGAGG[G>A]GGGAAGCCTGAGGTAACTCCAGCGAGGGATGCAGAGACGGGCCACAGGAGCTCACCTTGG-3'